The following is an entry in ClinVar:

NM_000051.4(ATM):c.7876G>A (p.Ala2626Thr)

Genes: ATM (ATM serine/threonine kinase; plus strand), C11orf65 (chromosome 11 open reading frame 65; minus strand). Cytogenetic location: 11q22.3.
Variant type: single nucleotide variant.
Coding change: c.7876G>A on transcript NM_000051.4 (MANE Select); coding-DNA position 7876, G replaced by A.
Protein change: p.Ala2626Thr; replaces alanine 2626 with threonine.
Molecular consequence: missense variant. On other transcripts: intron variant (2).
Genome position (GRCh38, 1-based): chr11:108,332,849, G>A. VCF-style: chr11-108332849-G-A. GRCh37 (hg19) VCF-style: chr11-108203576-G-A.
Other names: c.641-23778C>T (NM_001330368.2); c.*38+2371C>T (NM_001351110.2); c.7876G>A, p.Ala2626Thr (NM_001351834.2); short protein forms A2626T.
Identifiers: ClinVar variation 3000692 (VCV003000692.3), dbSNP rs267606669, ClinGen allele CA382561423.
Genomic context (GRCh38, chr11:108,332,849, plus strand): 5'-ATATGTACTATCAGAAGTAGGAGACCTCAGATGGTCAGAAGTGTTGAGGCACTTTGTGAT[G>A]CTTATATTATATTAGCAAACTTAGATGCCACTCAGTGGAAGACTCAGAGAAGTATGTTTT-3'
Protein context (NP_000042.3, residues 2616-2636): MVRSVEALCD[Ala2626Thr]YIILANLDAT

ClinVar aggregate classification (germline): Uncertain significance (1 of 4 stars; one submission).

Conditions:
Ataxia-telangiectasia syndrome (AT). Also called: ATAXIA-TELANGIECTASIA, COMPLEMENTATION GROUP A; ATAXIA-TELANGIECTASIA, FRESNO VARIANT; Ataxia-telangiectasia; Ataxia-telangiectasia, complementation group E; LOUIS-BAR SYNDROME; Cerebello-oculocutaneous telangiectasia. Identifiers: Orphanet 100, MedGen C0004135, MONDO:0008840, OMIM 208900.

Submission:

Labcorp Genetics (formerly Invitae), Labcorp
Classification: Uncertain significance for Ataxia-telangiectasia syndrome. Last evaluated: 2022-12-24. Review status: criteria provided, single submitter. Criteria: Invitae Variant Classification Sherloc (09022015). Collection method: clinical testing. Allele origin: germline.
Comment: This sequence change replaces alanine, which is neutral and non-polar, with threonine, which is neutral and polar, at codon 2626 of the ATM protein (p.Ala2626Thr). In summary, the available evidence is currently insufficient to determine the role of this variant in disease. Therefore, it has been classified as a Variant of Uncertain Significance. Algorithms developed to predict the effect of missense changes on protein structure and function (SIFT, PolyPhen-2, Align-GVGD) all suggest that this variant is likely to be disruptive. This variant has not been reported in the literature in individuals affected with ATM-related conditions. This variant is not present in population databases (gnomAD no frequency).